The following is an entry in ClinVar:

NM_015001.3(SPEN):c.7352A>C (p.His2451Pro)

Gene: SPEN (spen family transcriptional repressor; plus strand). Cytogenetic location: 1p36.13.
Variant type: single nucleotide variant.
Coding change: c.7352A>C on transcript NM_015001.3 (MANE Select); coding-DNA position 7352, A replaced by C.
Protein change: p.His2451Pro; replaces histidine 2451 with proline.
Molecular consequence: missense variant.
Genome position (GRCh38, 1-based): chr1:15,933,592, A>C. VCF-style: chr1-15933592-A-C. GRCh37 (hg19) VCF-style: chr1-16260087-A-C.
Other names: short protein forms H2451P.
Identifiers: ClinVar variation 4538363 (VCV004538363.1).

ClinVar aggregate classification (germline): Uncertain significance (1 of 4 stars; one submission).

Submission:

Greenwood Genetic Center Diagnostic Laboratories, Greenwood Genetic Center
Classification: Uncertain significance. Last evaluated: 2025-04-15. Review status: criteria provided, single submitter. Criteria: ACMG Guidelines, 2015. Collection method: clinical testing. Allele origin: germline. Affected: yes.
Comment: Gene of Uncertain Significance